The following is an entry in ClinVar:

NM_021252.5(RAB18):c.*170T>C

Gene: RAB18 (RAB18, member RAS oncogene family; plus strand). Cytogenetic location: 10p12.1.
Variant type: single nucleotide variant.
Coding change: c.*170T>C on transcript NM_021252.5 (MANE Select); 170 bases downstream of the stop codon, T replaced by C.
Molecular consequence: 3 prime UTR variant. On other transcripts: non-coding transcript variant (1).
Genome position (GRCh38, 1-based): chr10:27,538,221, T>C. VCF-style: chr10-27538221-T-C. GRCh37 (hg19) VCF-style: chr10-27827150-T-C.
Other names: c.*170T>C (NM_001256410.2, NM_001256412.2); c.*130T>C (NM_001256411.2).
Identifiers: ClinVar variation 877534 (VCV000877534.4), dbSNP rs567179590, ClinGen allele CA5452450.

ClinVar aggregate classification (germline): Likely benign (1 of 4 stars; one submission).

Conditions:
Warburg micro syndrome 3 (WARBM3). Also called: MICRO SYNDROME 3. Identifiers: Orphanet 2510, MedGen C3280203, MONDO:0013638, OMIM 614222.

Allele frequency attached by ClinVar (database versions not stated): TOPMed 0.00002; gnomAD exomes 0.00011 and 0.00020; ExAC 0.00034; 1000 Genomes Project 30x 0.00047; 1000 Genomes Project 0.00060.
gnomAD v4.1: 147 of 866,508 alleles (0.017%); highest among the groups gnomAD compares: East Asian, 0.36%; 2 homozygotes.

Submission:

Illumina Laboratory Services, Illumina
Classification: Likely benign for Warburg micro syndrome 3. Last evaluated: 2018-01-13. Review status: criteria provided, single submitter. Criteria: ICSL Variant Classification Criteria 13 December 2019. Collection method: clinical testing. Allele origin: germline.
Comment: This variant was observed in the ICSL laboratory as part of a predisposition screen in an ostensibly healthy population. It had not been previously curated by ICSL or reported in the Human Gene Mutation Database (HGMD: prior to June 1st, 2018), and was therefore a candidate for classification through an automated scoring system. Utilizing variant allele frequency, disease prevalence and penetrance estimates, and inheritance mode, an automated score was calculated to assess if this variant is too frequent to cause the disease. Based on the score and internal cut-off values, a variant classified as likely benign is not then subjected to further curation. The score for this variant resulted in a classification of likely benign for this disease.